The following is an entry in ClinVar:

NM_152703.5(SAMD9L):c.1910C>T (p.Ala637Val)

Gene: SAMD9L (sterile alpha motif domain containing 9 like; minus strand). Cytogenetic location: 7q21.2.
Variant type: single nucleotide variant.
Coding change: c.1910C>T on transcript NM_152703.5 (MANE Select); coding-DNA position 1910, C replaced by T.
Protein change: p.Ala637Val; replaces alanine 637 with valine.
Molecular consequence: missense variant.
Genome position (GRCh38, 1-based): chr7:93,134,062, G>A on the plus strand (C>T on the coding strand, the complement: SAMD9L is on the minus strand). VCF-style: chr7-93134062-G-A. GRCh37 (hg19) VCF-style: chr7-92763375-G-A.
Other names: c.1910C>T (NM_152703.3, NM_152703.2); c.1910C>T, p.Ala637Val (NM_001303496.3, NM_001303497.3, NM_001303498.3 and 5 more transcripts); short protein forms A637V.
Identifiers: ClinVar variation 1932459 (VCV001932459.8), dbSNP rs370922332, ClinGen allele CA4343660.

ClinVar aggregate classification (germline): Uncertain significance. Review status: criteria provided, multiple submitters, no conflicts (2 of 4 stars). 4 submissions from 4 submitters: Uncertain significance (4). Last evaluated 2025-04-13.

Conditions:
Inborn genetic diseases. Identifiers: MedGen C0950123, MeSH D030342.

Allele frequency attached by ClinVar (database versions not stated): gnomAD exomes below 0.00001; ExAC 0.00001; gnomAD 0.00001; TOPMed 0.00001; ESP Exome Variant Server 0.00008.

Submissions (4):

Ambry Genetics
Classification: Uncertain significance for Inborn genetic diseases. Last evaluated: 2025-04-13. Review status: criteria provided, single submitter. Criteria: Ambry Variant Classification Scheme 2023. Collection method: clinical testing. Allele origin: germline.
Comment: The p.A637V variant (also known as c.1910C>T), located in coding exon 1 of the SAMD9L gene, results from a C to T substitution at nucleotide position 1910. The alanine at codon 637 is replaced by valine, an amino acid with similar properties. This amino acid position is conserved. In addition, this alteration is predicted to be tolerated by in silico analysis. Based on the available evidence, the clinical significance of this variant remains unclear.

Labcorp Genetics (formerly Invitae), Labcorp
Classification: Uncertain significance. Last evaluated: 2024-11-11. Review status: criteria provided, single submitter. Criteria: Invitae Variant Classification Sherloc (09022015). Collection method: clinical testing. Allele origin: germline.
Comment: This sequence change replaces alanine, which is neutral and non-polar, with valine, which is neutral and non-polar, at codon 637 of the SAMD9L protein (p.Ala637Val). This variant is present in population databases (rs370922332, gnomAD 0.0009%). This variant has not been reported in the literature in individuals affected with SAMD9L-related conditions. ClinVar contains an entry for this variant (Variation ID: 1932459). Invitae Evidence Modeling of protein sequence and biophysical properties (such as structural, functional, and spatial information, amino acid conservation, physicochemical variation, residue mobility, and thermodynamic stability) indicates that this missense variant is not expected to disrupt SAMD9L protein function with a negative predictive value of 80%. In summary, the available evidence is currently insufficient to determine the role of this variant in disease. Therefore, it has been classified as a Variant of Uncertain Significance.

GeneDx
Classification: Uncertain significance. Last evaluated: 2024-02-21. Review status: criteria provided, single submitter. Criteria: GeneDx Variant Classification Process June 2021. Collection method: clinical testing. Allele origin: germline. Affected: yes.
Comment: Not observed at significant frequency in large population cohorts (gnomAD); In silico analysis supports that this missense variant does not alter protein structure/function; Has not been previously published as pathogenic or benign to our knowledge

Blueprint Genetics
Classification: Uncertain significance. Last evaluated: 2022-09-02. Review status: criteria provided, single submitter. Criteria: ACMG Guidelines, 2015. Collection method: clinical testing. Allele origin: germline.